The following is an entry in ClinVar:

NM_000289.6(PFKM):c.184G>A (p.Gly62Arg)

Gene: PFKM (phosphofructokinase, muscle; plus strand). Cytogenetic location: 12q13.11.
Variant type: single nucleotide variant.
Coding change: c.184G>A on transcript NM_000289.6 (MANE Select); coding-DNA position 184, G replaced by A.
Protein change: p.Gly62Arg; replaces glycine 62 with arginine.
Molecular consequence: missense variant. On other transcripts: non-coding transcript variant (6).
Genome position (GRCh38, 1-based): chr12:48,131,340, G>A. VCF-style: chr12-48131340-G-A. GRCh37 (hg19) VCF-style: chr12-48525123-G-A.
Other names: c.397G>A, p.Gly133Arg (NM_001354738.1, NM_001354739.1, NM_001439058.1 and 2 more transcripts); c.328G>A, p.Gly110Arg (NM_001354740.1); c.208G>A, p.Gly70Arg (NM_001354741.2); c.184G>A, p.Gly62Arg (NM_001354742.2, NM_001354743.2, NM_001354744.2 and 4 more transcripts); c.97G>A, p.Gly33Arg (NM_001354745.2); c.34G>A, p.Gly12Arg (NM_001354747.2, NM_001354748.2); c.493G>A, p.Gly165Arg (NM_001354735.1, NM_001354736.1); short protein forms G110R, G12R, G133R, G165R, G33R, G62R, G70R.
Identifiers: ClinVar variation 4804159 (VCV004804159.1).

ClinVar aggregate classification (germline): Uncertain significance (1 of 4 stars; one submission).

Conditions:
Glycogen storage disease, type VII (GSD7). Also called: GSD VII; MUSCLE PHOSPHOFRUCTOKINASE DEFICIENCY; PFKM DEFICIENCY; TARUI DISEASE. Identifiers: Orphanet 371, MedGen C0017926, MONDO:0009295, OMIM 232800.

gnomAD v4.1: 1 of 1,613,014 alleles (0.000062%); highest among the groups gnomAD compares: Non-Finnish European, 0.000085%; no homozygotes.

Submission:

Labcorp Genetics (formerly Invitae), Labcorp
Classification: Uncertain significance for Glycogen storage disease, type VII. Last evaluated: 2025-10-08. Review status: criteria provided, single submitter. Criteria: Invitae Variant Classification Sherloc (09022015). Collection method: clinical testing. Allele origin: germline.
Comment: This sequence change replaces glycine, which is neutral and non-polar, with arginine, which is basic and polar, at codon 62 of the PFKM protein (p.Gly62Arg). This variant is not present in population databases (gnomAD no frequency). This variant has not been reported in the literature in individuals affected with PFKM-related conditions. Invitae Evidence Modeling of protein sequence and biophysical properties (such as structural, functional, and spatial information, amino acid conservation, physicochemical variation, residue mobility, and thermodynamic stability) has been performed for this missense variant. However, the output from this modeling did not meet the statistical confidence thresholds required to predict the impact of this variant on PFKM protein function. Algorithms developed to predict the effect of sequence changes on RNA splicing suggest that this variant may disrupt the consensus splice site. In summary, the available evidence is currently insufficient to determine the role of this variant in disease. Therefore, it has been classified as a Variant of Uncertain Significance.